The following is an entry in ClinVar:

NM_001122630.2(CDKN1C):c.707C>A (p.Ser236Ter)

Gene: CDKN1C (cyclin dependent kinase inhibitor 1C; minus strand). Cytogenetic location: 11p15.4.
Variant type: single nucleotide variant.
Coding change: c.707C>A on transcript NM_001122630.2 (MANE Select); coding-DNA position 707, C replaced by A.
Protein change: p.Ser236Ter; replaces serine 236 with a stop codon.
Molecular consequence: nonsense. On other transcripts: intron variant (1).
Genome position (GRCh38, 1-based): chr11:2,884,750, G>T on the plus strand (C>A on the coding strand, the complement: CDKN1C is on the minus strand). VCF-style: chr11-2884750-G-T. GRCh37 (hg19) VCF-style: chr11-2905980-G-T.
Other names: c.740C>A, p.Ser247Ter (LRG_533t1, NM_000076.2, NM_001362474.2); c.707C>A, p.Ser236Ter (NM_001122631.2); c.255+452C>A (NM_001362475.2); short protein forms S247*, S236*.
Identifiers: ClinVar variation 8749 (VCV000008749.8), dbSNP rs104894200, ClinGen allele CA254540.

ClinVar aggregate classification (germline): Pathogenic. Review status: criteria provided, single submitter (1 of 4 stars). 2 submissions from 2 submitters: Pathogenic (1). 1 of the submissions does not count toward it. Last evaluated 2023-05-15.

Conditions:
Beckwith-Wiedemann syndrome (BWS). Also called: EMG SYNDROME; Exomphalos macroglossia gigantism syndrome. Identifiers: Orphanet 116, MedGen C0004903, MONDO:0007534, OMIM 130650.

Submissions (2):

Labcorp Genetics (formerly Invitae), Labcorp
Classification: Pathogenic for Beckwith-Wiedemann syndrome. Last evaluated: 2023-05-15. Review status: criteria provided, single submitter. Criteria: Invitae Variant Classification Sherloc (09022015). Collection method: clinical testing. Allele origin: germline.
Comment: ClinVar contains an entry for this variant (Variation ID: 8749). For these reasons, this variant has been classified as Pathogenic. This premature translational stop signal has been observed in individual(s) with Beckwith-Wiedemann syndrome (PMID: 9341892). This sequence change creates a premature translational stop signal (p.Ser247*) in the CDKN1C gene. It is expected to result in an absent or disrupted protein product. Loss-of-function variants in CDKN1C are known to be pathogenic (PMID: 20503313). This variant is not present in population databases (gnomAD no frequency).

OMIM
Classification: Pathogenic for BECKWITH-WIEDEMANN SYNDROME. Last evaluated: 1997-10-01. Review status: no assertion criteria provided. Collection method: literature only. Allele origin: germline. Not counted in ClinVar's aggregate classification.

Literature cited by the submitters: PubMed 9341892 (cited by Labcorp Genetics (formerly Invitae), Labcorp and OMIM); PubMed 20503313 (cited by Labcorp Genetics (formerly Invitae), Labcorp).